The following is an entry in ClinVar:

NM_012448.4(STAT5B):c.2098G>T (p.Val700Leu)

Gene: STAT5B (signal transducer and activator of transcription 5B; minus strand). Cytogenetic location: 17q21.2.
Variant type: single nucleotide variant.
Coding change: c.2098G>T on transcript NM_012448.4 (MANE Select); coding-DNA position 2098, G replaced by T.
Protein change: p.Val700Leu; replaces valine 700 with leucine.
Molecular consequence: missense variant.
Genome position (GRCh38, 1-based): chr17:42,202,788, C>A on the plus strand (G>T on the coding strand, the complement: STAT5B is on the minus strand). VCF-style: chr17-42202788-C-A. GRCh37 (hg19) VCF-style: chr17-40354806-C-A.
Other names: short protein forms V700L.
Identifiers: ClinVar variation 657964 (VCV000657964.9), dbSNP rs1567653213, ClinGen allele CA399574145.

ClinVar aggregate classification (germline): Uncertain significance (1 of 4 stars; one submission).

Conditions:
Growth hormone insensitivity with immune dysregulation 1, autosomal recessive. Also called: GROWTH HORMONE INSENSITIVITY DUE TO POSTRECEPTOR DEFECT; LARON SYNDROME DUE TO POSTRECEPTOR DEFECT; Laron syndrome with immunodeficiency; GROWTH HORMONE INSENSITIVITY SYNDROME WITH IMMUNE DYSREGULATION 1, AUTOSOMAL RECESSIVE. Identifiers: Orphanet 220465, MedGen C5435698, MONDO:0100211, OMIM 245590.

Allele frequency attached by ClinVar (database versions not stated): gnomAD exomes 0.00001.
gnomAD v4.1: 3 of 1,614,190 alleles (0.00019%); highest among the groups gnomAD compares: Admixed American, 0.0017%; no homozygotes.

Submission:

Labcorp Genetics (formerly Invitae), Labcorp
Classification: Uncertain significance for Growth hormone insensitivity with immune dysregulation 1, autosomal recessive. Last evaluated: 2018-11-23. Review status: criteria provided, single submitter. Criteria: Invitae Variant Classification Sherloc (09022015). Collection method: clinical testing. Allele origin: germline.
Comment: In summary, the available evidence is currently insufficient to determine the role of this variant in disease. Therefore, it has been classified as a Variant of Uncertain Significance. Algorithms developed to predict the effect of missense changes on protein structure and function (SIFT, PolyPhen-2, Align-GVGD) all suggest that this variant is likely to be disruptive, but these predictions have not been confirmed by published functional studies and their clinical significance is uncertain. This variant has not been reported in the literature in individuals with STAT5B-related conditions. This variant is not present in population databases (ExAC no frequency). This sequence change replaces valine with leucine at codon 700 of the STAT5B protein (p.Val700Leu). The valine residue is highly conserved and there is a small physicochemical difference between valine and leucine.